The following is an entry in ClinVar:

ClinVar aggregate classification (germline): Uncertain significance (1 of 4 stars; one submission).

Conditions:
Neuroblastoma, susceptibility to, 3. Also called: ALK-Related Neuroblastic Tumor Susceptibility. Identifiers: Orphanet 635, MedGen C2751681, MONDO:0013083, OMIM 613014.

Submission:

Labcorp Genetics (formerly Invitae), Labcorp
Classification: Uncertain significance for Neuroblastoma, susceptibility to, 3. Last evaluated: 2025-11-05. Review status: criteria provided, single submitter. Criteria: Invitae Variant Classification Sherloc (09022015). Collection method: clinical testing. Allele origin: germline.
Comment: This sequence change replaces arginine, which is basic and polar, with histidine, which is basic and polar, at codon 65 of the ALK protein (p.Arg65His). This variant is not present in population databases (gnomAD no frequency). This variant has not been reported in the literature in individuals affected with ALK-related conditions. ClinVar contains an entry for this variant (Variation ID: 3695079). An algorithm developed to predict the effect of missense changes on protein structure and function (PolyPhen-2) suggests that this variant is likely to be disruptive. In summary, the available evidence is currently insufficient to determine the role of this variant in disease. Therefore, it has been classified as a Variant of Uncertain Significance.

NM_004304.5(ALK):c.194G>A (p.Arg65His)

Gene: ALK (ALK receptor tyrosine kinase; minus strand). Cytogenetic location: 2p23.1.
Variant type: single nucleotide variant.
Coding change: c.194G>A on transcript NM_004304.5 (MANE Select); coding-DNA position 194, G replaced by A.
Protein change: p.Arg65His; replaces arginine 65 with histidine.
Molecular consequence: missense variant.
Genome position (GRCh38, 1-based): chr2:29,920,466, C>T on the plus strand (G>A on the coding strand, the complement: ALK is on the minus strand). VCF-style: chr2-29920466-C-T. GRCh37 (hg19) VCF-style: chr2-30143332-C-T.
Other names: short protein forms R65H.
Identifiers: ClinVar variation 3695079 (VCV003695079.2).